The following is an entry in ClinVar:

ClinVar aggregate classification (germline): Conflicting classifications of pathogenicity. Review status: criteria provided, conflicting classifications (1 of 4 stars). 3 submissions from 3 submitters: Uncertain significance (1); Benign (1); Likely benign (1). Last evaluated 2025-10-28.

Conditions:
FG syndrome (FGS). Identifiers: MedGen C0220769, MONDO:0002010.
Familial thoracic aortic aneurysm and aortic dissection (TAAD). Also called: Thoracic aortic aneurysms and dissections. Identifiers: Orphanet 91387, MedGen C4707243, MONDO:0019625.

Allele frequency attached by ClinVar (database versions not stated): gnomAD exomes 0.00001; TOPMed 0.00002.
gnomAD v4.1: 13 of 1,197,964 alleles (0.0011%); highest among the groups gnomAD compares: Non-Finnish European, 0.0015%; no homozygotes.

Submissions (3):

Labcorp Genetics (formerly Invitae), Labcorp
Classification: Benign for FG syndrome. Last evaluated: 2025-10-28. Review status: criteria provided, single submitter. Criteria: Invitae Variant Classification Sherloc (09022015). Collection method: clinical testing. Allele origin: germline.

Ambry Genetics
Classification: Uncertain significance for Familial thoracic aortic aneurysm and aortic dissection. Last evaluated: 2023-01-20. Review status: criteria provided, single submitter. Criteria: Ambry Variant Classification Scheme 2023. Collection method: clinical testing. Allele origin: germline.
Comment: The p.K1768R variant (also known as c.5303A>G), located in coding exon 37 of the MED12 gene, results from an A to G substitution at nucleotide position 5303. The lysine at codon 1768 is replaced by arginine, an amino acid with highly similar properties. This amino acid position is conserved. In addition, this alteration is predicted to be tolerated by in silico analysis. Since supporting evidence is limited at this time, the clinical significance of this alteration remains unclear.

GeneDx
Classification: Likely benign. Last evaluated: 2020-12-29. Review status: criteria provided, single submitter. Criteria: GeneDx Variant Classification Process June 2021. Collection method: clinical testing. Allele origin: germline. Affected: yes.

NM_005120.3(MED12):c.5303A>G (p.Lys1768Arg)

Gene: MED12 (mediator complex subunit 12; plus strand). Cytogenetic location: Xq13.1.
Variant type: single nucleotide variant.
Coding change: c.5303A>G on transcript NM_005120.3 (MANE Select); coding-DNA position 5303, A replaced by G.
Protein change: p.Lys1768Arg; replaces lysine 1768 with arginine.
Molecular consequence: missense variant.
Genome position (GRCh38, 1-based): chrX:71,136,558, A>G. VCF-style: chrX-71136558-A-G. GRCh37 (hg19) VCF-style: chrX-70356408-A-G.
Other names: short protein forms K1768R.
Identifiers: ClinVar variation 1188769 (VCV001188769.9), dbSNP rs1295791827, ClinGen allele CA413534829.
Genomic context (GRCh38, chrX:71,136,558, plus strand): 5'-ATGAGGAGCCGCCTGCTCCTACCCTGCTAGAGCCTGAGAAAAAGGCTCCAGAGCCCCCCA[A>G]AACTGACAAACCGGGGGCTGCTCCACCCAGTACTGAGGAACGCAAGAAGAAGTCCACCAA-3'
Protein context (NP_005111.2, residues 1758-1778): EPEKKAPEPP[Lys1768Arg]TDKPGAAPPS